The following is an entry in ClinVar:

ClinVar aggregate classification (germline): Benign/Likely benign. Review status: criteria provided, multiple submitters, no conflicts (2 of 4 stars). 4 submissions from 4 submitters: Benign (1); Likely benign (3). Last evaluated 2025-08-25.

Conditions:
Tuberous sclerosis 2 (TSC2). Identifiers: Orphanet 805, MedGen C1860707, MONDO:0013199, OMIM 613254.
Hereditary cancer-predisposing syndrome. Also called: Neoplastic Syndromes, Hereditary; Hereditary Cancer Syndrome; Tumor predisposition; Hereditary neoplastic syndrome. Identifiers: Orphanet 140162, MedGen C0027672, MeSH D009386, MONDO:0015356.
Tuberous sclerosis syndrome (TSC). Also called: Tuberous sclerosis; Tuberous Sclerosis Complex. Identifiers: Orphanet 805, MedGen C0041341, MONDO:0001734.

Allele frequency attached by ClinVar (database versions not stated): TOPMed below 0.00001; gnomAD 0.00001.
gnomAD v4.1: 2 of 1,612,850 alleles (0.00012%); highest among the groups gnomAD compares: Non-Finnish European, 0.00017%; no homozygotes.

Submissions (4):

Color Diagnostics, LLC DBA Color Health
Classification: Likely benign for Tuberous sclerosis syndrome. Last evaluated: 2025-08-25. Review status: criteria provided, single submitter. Criteria: ACMG Guidelines, 2015. Collection method: clinical testing. Allele origin: germline.

Myriad Genetics, Inc.
Classification: Benign for Tuberous sclerosis 2. Last evaluated: 2025-05-29. Review status: criteria provided, single submitter. Criteria: Myriad Autosomal Dominant, Autosomal Recessive and X-Linked Classification Criteria (2023). Collection method: clinical testing. Allele origin: unknown.
Comment: This variant is considered benign. This variant is a silent/synonymous amino acid change and it is not expected to impact splicing.

Labcorp Genetics (formerly Invitae), Labcorp
Classification: Likely benign for Tuberous sclerosis 2. Last evaluated: 2024-10-24. Review status: criteria provided, single submitter. Criteria: Invitae Variant Classification Sherloc (09022015). Collection method: clinical testing. Allele origin: germline.

Ambry Genetics
Classification: Likely benign for Hereditary cancer-predisposing syndrome. Last evaluated: 2023-08-25. Review status: criteria provided, single submitter. Criteria: Ambry Variant Classification Scheme 2023. Collection method: clinical testing. Allele origin: germline.

NM_000548.5(TSC2):c.3480T>C (p.Thr1160=)

Gene: TSC2 (TSC complex subunit 2; plus strand). Cytogenetic location: 16p13.3.
Variant type: single nucleotide variant.
Coding change: c.3480T>C on transcript NM_000548.5 (MANE Select); coding-DNA position 3480, T replaced by C.
Protein change: p.Thr1160=; no amino-acid change (threonine 1160 retained).
Molecular consequence: synonymous variant.
Genome position (GRCh38, 1-based): chr16:2,080,247, T>C. VCF-style: chr16-2080247-T-C. GRCh37 (hg19) VCF-style: chr16-2130248-T-C.
Other names: c.3348T>C, p.Thr1116= (NM_001077183.3, NM_001370404.1); c.3480T>C, p.Thr1160= (NM_001114382.3); c.3240T>C, p.Thr1080= (NM_001318827.2); c.3204T>C, p.Thr1068= (NM_001318829.2); c.2748T>C, p.Thr916= (NM_001318831.2); c.3381T>C, p.Thr1127= (NM_001318832.2); c.3351T>C, p.Thr1117= (NM_001363528.2, NM_001370405.1, NM_021055.3).
Identifiers: ClinVar variation 795344 (VCV000795344.13), dbSNP rs766888262, ClinGen allele CA493042889.